The following is an entry in ClinVar:

ClinVar aggregate classification (germline): Benign/Likely benign. Review status: criteria provided, multiple submitters, no conflicts (2 of 4 stars). 4 submissions from 4 submitters: Benign (1); Likely benign (3). Last evaluated 2026-02-02.

Conditions:
Supravalvar aortic stenosis (SVAS). Also called: Supravalvar aortic stenosis, Eisenberg type. Identifiers: Orphanet 3193, MedGen C0003499, MONDO:0008504, OMIM 185500, HP:0004381.

Allele frequency attached by ClinVar (database versions not stated): gnomAD exomes 0.00012 and 0.00016; ExAC 0.00016; ESP Exome Variant Server 0.00038; 1000 Genomes Project 0.00060; TOPMed 0.00060; gnomAD 0.00062 and 0.00066; 1000 Genomes Project 30x 0.00078.
gnomAD v4.1: 288 of 1,614,186 alleles (0.018%); highest among the groups gnomAD compares: African/African-American, 0.22%; no homozygotes.

Submissions (4):

Labcorp Genetics (formerly Invitae), Labcorp
Classification: Benign for Supravalvar aortic stenosis. Last evaluated: 2026-02-02. Review status: criteria provided, single submitter. Criteria: Invitae Variant Classification Sherloc (09022015). Collection method: clinical testing. Allele origin: germline.

Blueprint Genetics
Classification: Likely benign. Last evaluated: 2024-11-11. Review status: criteria provided, single submitter. Criteria: ACMG Guidelines, 2015. Collection method: clinical testing. Allele origin: germline.

GeneDx
Classification: Likely benign. Last evaluated: 2017-04-04. Review status: criteria provided, single submitter. Criteria: GeneDx Variant Classification (06012015). Collection method: clinical testing. Allele origin: germline. Affected: yes.
Comment: This variant is considered likely benign or benign based on one or more of the following criteria: it is a conservative change, it occurs at a poorly conserved position in the protein, it is predicted to be benign by multiple in silico algorithms, and/or has population frequency not consistent with disease.

PreventionGenetics, part of Exact Sciences
Classification: Likely benign. Review status: criteria provided, single submitter. Criteria: ACMG Guidelines, 2015. Collection method: clinical testing. Allele origin: germline.

NM_000501.4(ELN):c.326-20C>T

Gene: ELN (elastin; plus strand). Cytogenetic location: 7q11.23.
Variant type: single nucleotide variant.
Coding change: c.326-20C>T on transcript NM_000501.4 (MANE Select); 20 bases into the intron before coding-DNA position 326, C replaced by T.
Molecular consequence: intron variant.
Genome position (GRCh38, 1-based): chr7:74,042,964, C>T. VCF-style: chr7-74042964-C-T. GRCh37 (hg19) VCF-style: chr7-73457294-C-T.
Other names: c.326-20C>T (NM_001081754.3, NM_001081753.3, NM_001278939.2 and 4 more transcripts); c.290-20C>T (NM_001278913.2); c.296-20C>T (NM_001278914.2, NM_001278917.2, NM_001081752.3 and 1 more transcripts).
Identifiers: ClinVar variation 256306 (VCV000256306.12), dbSNP rs200397639, ClinGen allele CA4292440.